The following is an entry in ClinVar:

NM_001367624.2(ZNF469):c.9089G>C (p.Gly3030Ala)

Gene: ZNF469 (zinc finger protein 469; plus strand). Cytogenetic location: 16q24.2.
Variant type: single nucleotide variant.
Coding change: c.9089G>C on transcript NM_001367624.2 (MANE Select); coding-DNA position 9089, G replaced by C.
Protein change: p.Gly3030Ala; replaces glycine 3030 with alanine.
Molecular consequence: missense variant.
Genome position (GRCh38, 1-based): chr16:88,436,559, G>C. VCF-style: chr16-88436559-G-C. GRCh37 (hg19) VCF-style: chr16-88502967-G-C.
Other names: NM_001127464.1:c.9005G>C; short protein forms G3030A.
Identifiers: ClinVar variation 1765444 (VCV001765444.2), dbSNP rs2507602026, ClinGen allele CA397120661.
Genomic context (GRCh38, chr16:88,436,559, plus strand): 5'-CCTCTTCTCTCGGAGATGTGAGCCCCGAGCCCCCCAGCCTGGAGAGAGAACGCTGTGACG[G>C]TGGGCTTCCCGGGAACACCCACCTGCTGCCGCTCCGTGCCACGGACTTTGAGGTGCTCAG-3'
Protein context (NP_001354553.1, residues 3020-3040): PPSLERERCD[Gly3030Ala]GLPGNTHLLP

ClinVar aggregate classification (germline): Uncertain significance (1 of 4 stars; one submission).

Conditions:
Cardiovascular phenotype. Identifiers: MedGen CN230736.

Allele frequency attached by ClinVar (database versions not stated): gnomAD exomes below 0.00001.
gnomAD v4.1: 1 of 1,549,780 alleles (0.000065%); highest among the groups gnomAD compares: Non-Finnish European, 0.000087%; no homozygotes.

Submission:

Ambry Genetics
Classification: Uncertain significance for Cardiovascular phenotype. Last evaluated: 2022-10-17. Review status: criteria provided, single submitter. Criteria: Ambry Variant Classification Scheme 2023. Collection method: clinical testing. Allele origin: germline.
Comment: The p.G3002A variant (also known as c.9005G>C), located in coding exon 2 of the ZNF469 gene, results from a G to C substitution at nucleotide position 9005. The glycine at codon 3002 is replaced by alanine, an amino acid with similar properties. This amino acid position is conserved. In addition, this alteration is predicted to be tolerated by in silico analysis. Since supporting evidence is limited at this time, the clinical significance of this alteration remains unclear.